The following is an entry in ClinVar:

NM_032578.4(MYPN):c.785A>G (p.Glu262Gly)

Gene: MYPN (myopalladin; plus strand). Cytogenetic location: 10q21.3.
Variant type: single nucleotide variant.
Coding change: c.785A>G on transcript NM_032578.4 (MANE Select); coding-DNA position 785, A replaced by G.
Protein change: p.Glu262Gly; replaces glutamic acid 262 with glycine.
Molecular consequence: missense variant. On other transcripts: 5 prime UTR variant (1), non-coding transcript variant (1).
Genome position (GRCh38, 1-based): chr10:68,122,223, A>G. VCF-style: chr10-68122223-A-G. GRCh37 (hg19) VCF-style: chr10-69881980-A-G.
Other names: c.785A>G, p.Glu262Gly (NM_001256267.2); c.-338A>G (NM_001256268.2); c.785A>G (NM_032578.2); short protein forms E262G.
Identifiers: ClinVar variation 229038 (VCV000229038.16), dbSNP rs876657924, ClinGen allele CA10576797.

ClinVar aggregate classification (germline): Uncertain significance. Review status: criteria provided, multiple submitters, no conflicts (2 of 4 stars). 4 submissions from 4 submitters: Uncertain significance (4). Last evaluated 2025-05-30.

Conditions:
Dilated cardiomyopathy 1KK (CMD1KK). Identifiers: Orphanet 154, Orphanet 75249, MedGen C3714995, MONDO:0014100, OMIM 615248.
Cardiovascular phenotype. Identifiers: MedGen CN230736.

Allele frequency attached by ClinVar (database versions not stated): TOPMed 0.00006.

Submissions (4):

Ambry Genetics
Classification: Uncertain significance for Cardiovascular phenotype. Last evaluated: 2025-05-30. Review status: criteria provided, single submitter. Criteria: Ambry Variant Classification Scheme 2023. Collection method: clinical testing. Allele origin: germline.
Comment: The p.E262G variant (also known as c.785A>G), located in coding exon 1 of the MYPN gene, results from an A to G substitution at nucleotide position 785. The glutamic acid at codon 262 is replaced by glycine, an amino acid with similar properties. This amino acid position is conserved. In addition, this alteration is predicted to be tolerated by in silico analysis. Based on the available evidence, the clinical significance of this variant remains unclear.

GeneDx
Classification: Uncertain significance. Last evaluated: 2023-02-14. Review status: criteria provided, single submitter. Criteria: GeneDx Variant Classification Process June 2021. Collection method: clinical testing. Allele origin: germline. Affected: yes.
Comment: Not observed at significant frequency in large population cohorts (gnomAD); In silico analysis supports that this missense variant does not alter protein structure/function; Has not been previously published as pathogenic or benign to our knowledge

Labcorp Genetics (formerly Invitae), Labcorp
Classification: Uncertain significance for Dilated cardiomyopathy 1KK. Last evaluated: 2022-10-14. Review status: criteria provided, single submitter. Criteria: Invitae Variant Classification Sherloc (09022015). Collection method: clinical testing. Allele origin: germline.
Comment: ClinVar contains an entry for this variant (Variation ID: 229038). In summary, the available evidence is currently insufficient to determine the role of this variant in disease. Therefore, it has been classified as a Variant of Uncertain Significance. Algorithms developed to predict the effect of missense changes on protein structure and function (SIFT, PolyPhen-2, Align-GVGD) all suggest that this variant is likely to be tolerated. This variant has not been reported in the literature in individuals affected with MYPN-related conditions. This variant is not present in population databases (gnomAD no frequency). This sequence change replaces glutamic acid, which is acidic and polar, with glycine, which is neutral and non-polar, at codon 262 of the MYPN protein (p.Glu262Gly).

Laboratory for Molecular Medicine, Mass General Brigham Personalized Medicine
Classification: Uncertain significance. Last evaluated: 2015-07-16. Review status: criteria provided, single submitter. Criteria: LMM Criteria. Collection method: clinical testing. Allele origin: germline. Observed: 1 variant allele.
Comment: The p.Glu262Gly variant in MYPN has not been previously reported in individuals with cardiomyopathy or in large population studies. Computational prediction too ls and conservation analysis do not provide strong support for or against an imp act to the protein. In summary, the clinical significance of the p.Glu262Gly var iant is uncertain.